The following is an entry in ClinVar:

NM_002691.4(POLD1):c.2952_2953delinsAA (p.Leu984_Arg985=)

Gene: POLD1 (DNA polymerase delta 1, catalytic subunit; plus strand). Cytogenetic location: 19q13.33.
Variant type: Indel.
Coding change: c.2952_2953delinsAA on transcript NM_002691.4 (MANE Select); coding-DNA positions 2952 to 2953, GC replaced by AA.
Protein change: p.Leu984_Arg985=.
Molecular consequence: synonymous variant. On other transcripts: non-coding transcript variant (1).
Genome position (GRCh38, 1-based): chr19:50,416,527-50,416,528, GC replaced by AA. VCF-style: chr19-50416527-GC-AA. GRCh37 (hg19) VCF-style: chr19-50919784-GC-AA.
Other names: c.2952_2953delinsAA, p.Leu984_Arg985= (NM_001256849.1); c.3030_3031delinsAA, p.Leu1010_Arg1011= (NM_001308632.1).
Identifiers: ClinVar variation 3781356 (VCV003781356.1).
Genomic context (GRCh38, chr19:50,416,527, plus strand): 5'-GCCCCTCCTGCGCATCTTCGAGCCCATCCTGGGCGAGGGCCGTGCCGAGGCTGTGCTACT[GC>AA]GTACGGGGGCACCAGGGGACTGGGGGCACCCTGGGGGGGCAGAGGAGATCACCGGCCCAC-3'

ClinVar aggregate classification (germline): Uncertain significance (1 of 4 stars; one submission).

Conditions:
Hereditary cancer-predisposing syndrome. Also called: Neoplastic Syndromes, Hereditary; Hereditary Cancer Syndrome; Tumor predisposition; Hereditary neoplastic syndrome. Identifiers: Orphanet 140162, MedGen C0027672, MeSH D009386, MONDO:0015356.

Submission:

Ambry Genetics
Classification: Uncertain significance for Hereditary cancer-predisposing syndrome. Last evaluated: 2025-03-10. Review status: criteria provided, single submitter. Criteria: Ambry Variant Classification Scheme 2023. Collection method: clinical testing. Allele origin: germline.
Comment: The c.2952_2953delGCinsAA variant (also known as pR985R) is located in coding exon 22 of the POLD1 gene. This variant results from an in-frame deletion of GC and insertion of AA at nucleotide positions 2952 to 2953. This nucleotide substitution does not change the arginine at codon 985. This nucleotide region is generally well conserved in available vertebrate species. In silico splice site analysis predicts that this alteration will weaken the native splice donor site and result in the creation or strengthening of a novel splice donor site. Alterations that disrupt the canonical splice site are expected to cause aberrant splicing, resulting in an abnormal protein or a transcript that is subject to nonsense-mediated mRNA decay. However, loss of function of POLD1 has not been established as a mechanism of disease. Based on the available evidence, the clinical significance of this alteration remains unclear.